The following is an entry in ClinVar:

NM_015627.3(LDLRAP1):c.496A>G (p.Lys166Glu)

Gene: LDLRAP1 (low density lipoprotein receptor adaptor protein 1; plus strand). Cytogenetic location: 1p36.11.
Variant type: single nucleotide variant.
Coding change: c.496A>G on transcript NM_015627.3 (MANE Select); coding-DNA position 496, A replaced by G.
Protein change: p.Lys166Glu; replaces lysine 166 with glutamic acid.
Molecular consequence: missense variant.
Genome position (GRCh38, 1-based): chr1:25,562,680, A>G. VCF-style: chr1-25562680-A-G. GRCh37 (hg19) VCF-style: chr1-25889171-A-G.
Other names: short protein forms K166E.
Identifiers: ClinVar variation 2448690 (VCV002448690.2), dbSNP rs2524099667, ClinGen allele CA339073721.

ClinVar aggregate classification (germline): Uncertain significance (1 of 4 stars; one submission).

Conditions:
Cardiovascular phenotype. Identifiers: MedGen CN230736.

Submission:

Ambry Genetics
Classification: Uncertain significance for Cardiovascular phenotype. Last evaluated: 2022-12-09. Review status: criteria provided, single submitter. Criteria: Ambry Variant Classification Scheme 2023. Collection method: clinical testing. Allele origin: germline.
Comment: The p.K166E variant (also known as c.496A>G), located in coding exon 5 of the LDLRAP1 gene, results from an A to G substitution at nucleotide position 496. The lysine at codon 166 is replaced by glutamic acid, an amino acid with similar properties. This amino acid position is conserved. In addition, this alteration is predicted to be tolerated by in silico analysis. Since supporting evidence is limited at this time, the clinical significance of this alteration remains unclear.